The following is an entry in ClinVar:

NM_152443.3(RDH12):c.755C>T (p.Ser252Phe)

Genes: RDH12 (retinol dehydrogenase 12; plus strand), ZFYVE26 (zinc finger FYVE-type containing 26; minus strand), GPHN (gephyrin; plus strand). Cytogenetic location: 14q24.1.
Variant type: single nucleotide variant.
Coding change: c.755C>T on transcript NM_152443.3 (MANE Select); coding-DNA position 755, C replaced by T.
Protein change: p.Ser252Phe; replaces serine 252 with phenylalanine.
Molecular consequence: missense variant.
Genome position (GRCh38, 1-based): chr14:67,729,287, C>T. VCF-style: chr14-67729287-C-T. GRCh37 (hg19) VCF-style: chr14-68196004-C-T.
Other names: short protein forms S252F.
Identifiers: ClinVar variation 1966455 (VCV001966455.4), dbSNP rs376787473, ClinGen allele CA390153040.

ClinVar aggregate classification (germline): Uncertain significance (1 of 4 stars; one submission).

Conditions:
Leber congenital amaurosis 13 (LCA13). Identifiers: MedGen C2675186, MONDO:0012990, OMIM 612712.

gnomAD v4.1: 1 of 1,604,710 alleles (0.000062%); highest among the groups gnomAD compares: East Asian, 0.0022%; no homozygotes.

Submission:

Labcorp Genetics (formerly Invitae), Labcorp
Classification: Uncertain significance for Leber congenital amaurosis 13. Last evaluated: 2024-04-08. Review status: criteria provided, single submitter. Criteria: Invitae Variant Classification Sherloc (09022015). Collection method: clinical testing. Allele origin: germline.
Comment: This sequence change replaces serine, which is neutral and polar, with phenylalanine, which is neutral and non-polar, at codon 252 of the RDH12 protein (p.Ser252Phe). This variant is not present in population databases (gnomAD no frequency). This variant has not been reported in the literature in individuals affected with RDH12-related conditions. ClinVar contains an entry for this variant (Variation ID: 1966455). Advanced modeling of protein sequence and biophysical properties (such as structural, functional, and spatial information, amino acid conservation, physicochemical variation, residue mobility, and thermodynamic stability) performed at Invitae indicates that this missense variant is not expected to disrupt RDH12 protein function with a negative predictive value of 80%. In summary, the available evidence is currently insufficient to determine the role of this variant in disease. Therefore, it has been classified as a Variant of Uncertain Significance.